The following is an entry in ClinVar:

NM_144687.4(NLRP12):c.802A>T (p.Ile268Phe)

Gene: NLRP12 (NLR family pyrin domain containing 12; minus strand). Cytogenetic location: 19q13.42.
Variant type: single nucleotide variant.
Coding change: c.802A>T on transcript NM_144687.4 (MANE Select); coding-DNA position 802, A replaced by T.
Protein change: p.Ile268Phe; replaces isoleucine 268 with phenylalanine.
Molecular consequence: missense variant.
Genome position (GRCh38, 1-based): chr19:53,810,857, T>A on the plus strand (A>T on the coding strand, the complement: NLRP12 is on the minus strand). VCF-style: chr19-53810857-T-A. GRCh37 (hg19) VCF-style: chr19-54314111-T-A.
Other names: c.802A>T, p.Ile268Phe (NM_001277126.2, NM_001277129.1); short protein forms I268F.
Identifiers: ClinVar variation 4056673 (VCV004056673.1).

ClinVar aggregate classification (germline): Uncertain significance (1 of 4 stars; one submission).

Conditions:
Familial cold autoinflammatory syndrome 2 (FCAS2). Identifiers: Orphanet 247868, MedGen C2673198, MONDO:0012724, OMIM 611762.

gnomAD v4.1: 3 of 1,614,070 alleles (0.00019%); highest among the groups gnomAD compares: Non-Finnish European, 0.00025%; no homozygotes.

Submission:

Laboratorio de Genetica e Diagnostico Molecular, Hospital Israelita Albert Einstein
Classification: Uncertain significance for Familial cold autoinflammatory syndrome 2. Last evaluated: 2023-07-26. Review status: criteria provided, single submitter. Criteria: ACMG Guidelines, 2015. Collection method: clinical testing. Allele origin: germline. Affected: yes.
Comment: ACMG classification criteria: PM2 moderate